The following is an entry in ClinVar:

ClinVar aggregate classification (germline): Pathogenic (1 of 4 stars; one submission).

Conditions:
Bernard Soulier syndrome (BSS). Also called: Platelet Glycoprotein 1b, Deficiency of; BLEEDING DISORDER, PLATELET-TYPE, 1; PLATELET GLYCOPROTEIN Ib DEFICIENCY; VON WILLEBRAND FACTOR RECEPTOR DEFICIENCY; GLYCOPROTEIN Ib, PLATELET, DEFICIENCY OF; Giant platelet syndrome. Identifiers: Orphanet 274, MedGen C0005129, MeSH D001606, MONDO:0009276, OMIM 231200.

Submission:

ISTH-SSC Genomics in Thrombosis and Hemostasis, KU Leuven, Center for Molecular and Vascular Biology
Classification: Pathogenic for Bernard Soulier syndrome. Review status: criteria provided, single submitter. Criteria: ACMG Guidelines, 2015. Collection method: clinical testing. Allele origin: germline. Affected: yes. Observed: 1 homozygote.
Comment: Submitted to GoldVariant by Jose María Bastida and José Rivera; Grupo Español de Alteraciones Plaquetarias Congénitas (GEAPC)

NM_000407.5(GP1BB):c.22dup (p.Ala8fs)

Genes: GP1BB (glycoprotein Ib platelet subunit beta; plus strand), SEPT5-GP1BB (SEPT5-GP1BB readthrough; plus strand). Cytogenetic location: 22q11.21.
Variant type: Duplication.
Coding change: c.22dup on transcript NM_000407.5 (MANE Select); coding-DNA position 22, one base duplicated (G; older notation c.22dupG).
Protein change: p.Ala8fs; shifts the reading frame from alanine 8.
Molecular consequence: frameshift variant. On other transcripts: non-coding transcript variant (2).
Genome position (GRCh38, 1-based): chr22:19,723,865, G duplicated; the last of 4 consecutive G bases (chr22:19,723,862-19,723,865); duplicating any one gives the same sequence. VCF-style (leftmost placement, unchanged base first): chr22-19723861-C-CG. GRCh37 (hg19) VCF-style: chr22-19711384-C-CG.
Other names: short protein forms A8fs.
Identifiers: ClinVar variation 1703862 (VCV001703862.2), dbSNP rs2517804321, ClinGen allele CA2580099092.